The following is an entry in ClinVar:

NM_000551.4(VHL):c.548C>A (p.Ser183Ter)

Genes: VHL (von Hippel-Lindau tumor suppressor; plus strand), LOC107303340 (3p25 von Hippel-Lindau tumor suppressor, E3 ubiquitin protein ligase Alu-mediated recombination region; plus strand). Cytogenetic location: 3p25.3.
Variant type: single nucleotide variant.
Coding change: c.548C>A on transcript NM_000551.4 (MANE Select); coding-DNA position 548, C replaced by A.
Protein change: p.Ser183Ter; replaces serine 183 with a stop codon.
Molecular consequence: nonsense. On other transcripts: 3 prime UTR variant (1).
Genome position (GRCh38, 1-based): chr3:10,149,871, C>A. VCF-style: chr3-10149871-C-A. GRCh37 (hg19) VCF-style: chr3-10191555-C-A.
Other names: c.*102C>A (NM_001354723.2); c.425C>A, p.Ser142Ter (NM_198156.3); short protein forms S183*, S142*.
Identifiers: ClinVar variation 2215 (VCV000002215.17), dbSNP rs5030823, ClinGen allele CA020473.
Genomic context (GRCh38, chr3:10,149,871, plus strand): 5'-TCCAGGTTGTCCGGAGCCTAGTCAAGCCTGAGAATTACAGGAGACTGGACATCGTCAGGT[C>A]GCTCTACGAAGATCTGGAAGACCACCCAAATGTGCAGAAAGACCTGGAGCGGCTGACACA-3'

ClinVar aggregate classification (germline): Pathogenic. Review status: criteria provided, multiple submitters, no conflicts (2 of 4 stars). 10 submissions from 10 submitters: Pathogenic (8). 2 of the submissions do not count toward it. Last evaluated 2025-12-29.

Conditions:
Hereditary cancer-predisposing syndrome. Also called: Hereditary Cancer Syndrome; Tumor predisposition; Neoplastic Syndromes, Hereditary; Hereditary neoplastic syndrome. Identifiers: Orphanet 140162, MedGen C0027672, MeSH D009386, MONDO:0015356.
Chuvash polycythemia. Also called: POLYCYTHEMIA, VHL-DEPENDENT. Identifiers: Orphanet 238557, MedGen C1837915, MONDO:0009892, OMIM 263400.
Von Hippel-Lindau syndrome (VHLS). Also called: von Hippel–Lindau syndrome; VHL syndrome; Von Hippel-Lindau. Identifiers: Orphanet 892, MedGen C0019562, MONDO:0008667, OMIM 193300. Disease mechanism: loss of function.
Papillary renal cell carcinoma type 1 (RCCP1). Also called: RENAL CELL CARCINOMA, PAPILLARY, 1, SOMATIC; Renal adenocarcinoma; Renal cell carcinoma 1; Renal cell carcinoma, somatic. Identifiers: Orphanet 47044, MedGen C1336839, OMIM 605074, HP:0011797.

Submissions (10):

Center for Genomic Medicine, Rigshospitalet, Copenhagen University Hospital
Classification: Pathogenic. Last evaluated: 2025-12-29. Review status: criteria provided, single submitter. Criteria: ACMG Guidelines, 2015. Collection method: clinical testing. Allele origin: germline.
Comment: Classification criteria: PVS1, PM2_supporting, PS4_supporting

Dasa
Classification: Pathogenic. Last evaluated: 2025-08-13. Review status: criteria provided, single submitter. Criteria: DASA Assertion Criteria. Collection method: clinical testing. Allele origin: germline.
Comment: NM_000551.4(VHL):c.548C>A (p.Ser183*) introduces a premature termination codon predicted to result in loss of normal protein function. Loss-of-function is an established mechanism of disease for this gene. This variant has been recurrently observed in individuals with related phenotype (PMID: 39272843; PMID: 35008334; PMID: 33720516; PMID: 29732003). The variant is present at low frequency in population datasets. Based on the available data, this variant is classified as pathogenic.

Color Diagnostics, LLC DBA Color Health
Classification: Pathogenic for Von Hippel-Lindau syndrome. Last evaluated: 2025-06-30. Review status: criteria provided, single submitter. Criteria: ACMG Guidelines, 2015. Collection method: clinical testing. Allele origin: germline.
Comment: This variant changes 1 nucleotide in exon 3 of the VHL gene, creating a premature translation stop signal. This variant is expected to result in a non-functional protein product. This variant has been reported in multiple individuals affected with von Hippel-Lindau syndrome (e.g., PMID: 22799452, 33720516, 35008334). This variant has not been identified in the general population by the Genome Aggregation Database (gnomAD). Loss of VHL function is a known mechanism of disease. Based on the available evidence, this variant is classified as Pathogenic.

ARUP Laboratories, Molecular Genetics and Genomics, ARUP Laboratories
Classification: Pathogenic. Last evaluated: 2025-05-01. Review status: criteria provided, single submitter. Criteria: ARUP Molecular Germline Variant Investigation Process 2024. Collection method: clinical testing. Allele origin: germline.
Comment: The VHL c.548C>A; p.Ser183Ter variant (rs5030823, ClinVar Variation ID: 2215), also known as c.761C>A, is reported in the literature in multiple individuals affected with von Hippel-Lindau syndrome (Glavac 1996, Glasker 1996, Reich 2021, Tamura 2023, Whaley 1994), and is also found in sporadic renal cell carcinomas (Gallou 1999, Gnarra 1994). This variant is absent from the Genome Aggregation Database (v2.1.1), indicating it is not a common polymorphism. This variant induces an early termination This variant results in a premature termination codon in the last exon of the VHL gene. While this may not lead to nonsense-mediated decay, it is expected to create a truncated VHL protein which disrupts the critical alpha domain. Based on available information, this variant is considered to be pathogenic. References: Gallou C et al. Mutations of the VHL gene in sporadic renal cell carcinoma: definition of a risk factor for VHL patients to develop an RCC. Hum Mutat. 1999 13(6):464-75. PMID: 10408776 Glasker S et al. The impact of molecular genetic analysis of the VHL gene in patients with haemangioblastomas of the central nervous system. J Neurol Neurosurg Psychiatry. 1999 Dec;67(6):758-62. PMID: 10567493 Glavac D et al. Mutations in the VHL tumor suppressor gene and associated lesions in families with von Hippel-Lindau disease from central Europe. Hum Genet. 1996 98(3):271-80. PMID: 8707293 Gnarra J et al. Mutations of the VHL tumour suppressor gene in renal carcinoma. Nat Genet. 1994 7(1):85-90. PMID: 7915601 Reich M et al. Genotype-phenotype correlation in von Hippel-Lindau disease. Acta Ophthalmol. 2021 Dec;99(8):e1492-e1500. PMID: 33720516 Tamura K et al. Variant spectrum of von Hippel-Lindau disease and its genomic heterogeneity in Japan. Hum Mol Genet. 2023 Jun 5;32(12):2046-2054. PMID: 36905328 Whaley J et al. Germ-line mutations in the von Hippel-Lindau tumor-suppressor gene are similar to somatic von Hippel-Lindau aberrations in sporadic renal cell carcinoma. Am J Hum Genet. 1994 55(6):1092-102. PMID: 7977367

Labcorp Genetics (formerly Invitae), Labcorp
Classification: Pathogenic for Von Hippel-Lindau syndrome; Chuvash polycythemia. Last evaluated: 2024-08-07. Review status: criteria provided, single submitter. Criteria: Invitae Variant Classification Sherloc (09022015). Collection method: clinical testing. Allele origin: germline.
Comment: This sequence change creates a premature translational stop signal (p.Ser183*) in the VHL gene. While this is not anticipated to result in nonsense mediated decay, it is expected to disrupt the last 31 amino acid(s) of the VHL protein. This variant is not present in population databases (gnomAD no frequency). This premature translational stop signal has been observed in individuals with von Hippel-Lindau (VHL) syndrome (PMID: 8707293, 10567493, 11309459). It has also been observed to segregate with disease in related individuals. This variant is also known as c.761C>A. ClinVar contains an entry for this variant (Variation ID: 2215). This variant disrupts a region of the VHL protein in which other variant(s) (p.Leu188) have been determined to be pathogenic (PMID: 7563486, 7987306, 8772572, 11331612, 16452184, 18567581, 23772956). This suggests that this is a clinically significant region of the protein, and that variants that disrupt it are likely to be disease-causing. For these reasons, this variant has been classified as Pathogenic.

Myriad Genetics, Inc.
Classification: Pathogenic for Von Hippel-Lindau syndrome. Last evaluated: 2023-01-17. Review status: criteria provided, single submitter. Criteria: Myriad Autosomal Dominant, Autosomal Recessive and X-Linked Classification Criteria (2023). Collection method: clinical testing. Allele origin: unknown.
Comment: This variant is considered pathogenic. This variant creates a termination codon and is predicted to result in premature protein truncation.

Ambry Genetics
Classification: Pathogenic for Hereditary cancer-predisposing syndrome. Last evaluated: 2022-11-28. Review status: criteria provided, single submitter. Criteria: Ambry Variant Classification Scheme 2023. Collection method: clinical testing. Allele origin: germline.
Comment: The p.S183* pathogenic mutation (also known as c.548C>A), located in coding exon 3 of the VHL gene, results from a C to A substitution at nucleotide position 548. This changes the amino acid from a serine to a stop codon within coding exon 3. This alteration has been reported in multiple individuals with von Hippel-Lindau disease (Whaley JM et al. Am J Hum Genet, 1994 Dec;55:1092-102; Hes FJ et al. Clin Genet, 2007 Aug;72:122-9; Dandanell M et al. BMC Med Genet, 2012 Jul;13:54; Pilotto E et al. Cancers (Basel), 2021 Dec;14:). Of note, this alteration is also referred to as "761C>A" in the literature. This alteration occurs at the 3' terminus of the VHL gene, is not expected to trigger nonsense-mediated mRNA decay, and only impacts the last 31 amino acids of the protein. However, premature stop codons are typically deleterious in nature, the impacted region is critical for protein function, and a significant portion of the protein is affected (Ambry internal data). This variant is considered to be rare based on population cohorts in the Genome Aggregation Database (gnomAD). Based on the supporting evidence, this alteration is interpreted as a disease-causing mutation.

Women's Health and Genetics/Laboratory Corporation of America, LabCorp
Classification: Pathogenic for Von Hippel-Lindau syndrome. Last evaluated: 2022-08-17. Review status: criteria provided, single submitter. Criteria: LabCorp Variant Classification Summary - May 2015. Collection method: clinical testing. Allele origin: germline.
Comment: Variant summary: VHL c.548C>A (p.Ser183X) results in a premature termination codon in the last exon that is not expected to cause nonsense mediated decay (NMD), but removes a part of the 213 amino acid long protein, eliminating a portion of the alpha domain (amino acids 156-204; IPR024048). Truncations downstream of this position have been classified as pathogenic by our laboratory. The variant was absent in 251414 control chromosomes (gnomAD). c.548C>A has been reported in the literature in multiple individuals affected with Von Hippel-Lindau Syndrome (e.g. Glasker_1999, Erlic_2010, Reich_2021). These data indicate that the variant is very likely to be associated with disease. Two clinical diagnostic laboratories have submitted clinical-significance assessments for this variant to ClinVar after 2014 and all classified the variant as pathogenic. Based on the evidence outlined above, the variant was classified as pathogenic.

Genomic Diagnostic Laboratory, Division of Genomic Diagnostics, Children's Hospital of Philadelphia
Classification: Pathogenic for Von Hippel-Lindau syndrome. Last evaluated: 2016-02-26. Review status: no assertion criteria provided. Collection method: clinical testing. Allele origin: germline. Affected: yes. Observed: 2 variant alleles. Not counted in ClinVar's aggregate classification.

OMIM
Classification: Pathogenic for RENAL CELL CARCINOMA, SOMATIC. Last evaluated: 1995-06-01. Review status: no assertion criteria provided. Collection method: literature only. Allele origin: somatic. Not counted in ClinVar's aggregate classification.

Literature cited by the submitters: PubMed 35008334 (cited by 3 submitters); PubMed 39272843 (cited by Dasa); PubMed 33720516 (cited by Dasa and Women's Health and Genetics/Laboratory Corporation of America, LabCorp); PubMed 29732003 (cited by Dasa); PubMed 8707293 (cited by Labcorp Genetics (formerly Invitae), Labcorp); PubMed 10567493 (cited by Labcorp Genetics (formerly Invitae), Labcorp and Women's Health and Genetics/Laboratory Corporation of America, LabCorp); PubMed 11309459 (cited by Labcorp Genetics (formerly Invitae), Labcorp); PubMed 7563486 (cited by Labcorp Genetics (formerly Invitae), Labcorp); PubMed 7987306 (cited by Labcorp Genetics (formerly Invitae), Labcorp); PubMed 8772572 (cited by Labcorp Genetics (formerly Invitae), Labcorp); PubMed 11331612 (cited by Labcorp Genetics (formerly Invitae), Labcorp); PubMed 16452184 (cited by Labcorp Genetics (formerly Invitae), Labcorp); PubMed 18567581 (cited by Labcorp Genetics (formerly Invitae), Labcorp); PubMed 23772956 (cited by Labcorp Genetics (formerly Invitae), Labcorp); PubMed 17661816 (cited by Ambry Genetics); PubMed 22799452 (cited by Ambry Genetics); PubMed 7977367 (cited by Ambry Genetics); PubMed 20660572 (cited by Women's Health and Genetics/Laboratory Corporation of America, LabCorp); PubMed 7784063 (cited by OMIM); PubMed 8493574 (cited by OMIM).